The following is an entry in ClinVar:

NM_001374385.1(ATP8B1):c.589G>A (p.Gly197Arg)

Gene: ATP8B1 (ATPase phospholipid transporting 8B1; minus strand). Cytogenetic location: 18q21.31.
Variant type: single nucleotide variant.
Coding change: c.589G>A on transcript NM_001374385.1 (MANE Select); coding-DNA position 589, G replaced by A.
Protein change: p.Gly197Arg; replaces glycine 197 with arginine.
Molecular consequence: missense variant.
Genome position (GRCh38, 1-based): chr18:57,697,833, C>T on the plus strand (G>A on the coding strand, the complement: ATP8B1 is on the minus strand). VCF-style: chr18-57697833-C-T. GRCh37 (hg19) VCF-style: chr18-55365065-C-T.
Other names: c.439G>A, p.Gly147Arg (NM_001374386.1); c.589G>A, p.Gly197Arg (NM_005603.6); short protein forms G147R, G197R.
Identifiers: ClinVar variation 4846059 (VCV004846059.1).

ClinVar aggregate classification (germline): Uncertain significance (1 of 4 stars; one submission).

Conditions:
Familial intrahepatic cholestasis. Identifiers: Orphanet 284385, MedGen CN296401, MONDO:0017290.

Submission:

Genomenon, Inc
Classification: Uncertain significance for Familial intrahepatic cholestasis. Last evaluated: 2026-04-14. Review status: criteria provided, single submitter. Criteria: Genomenon Sequence Variant Interpretation Standards - Updated. Collection method: curation. Allele origin: germline. Affected: yes.
Comment: ATP8B1 p.Gly197Arg (c.589G>A) is a missense variant that changes the amino acid at residue 197 from Glycine to Arginine. This variant has been observed in at least one proband with features of ATP8B1-deficiency (PMID:35844336). It is absent or not present at a significant frequency in gnomAD. In silico models predict that this variant is possibly or probably damaging. In conclusion, we classify ATP8B1 p.Gly197Arg (c.589G>A) as a variant of uncertain significance.

Literature cited by the submitters: PubMed 35844336.